The following is an entry in ClinVar:

NM_015311.3(OBSL1):c.5180C>T (p.Ser1727Leu)

Gene: OBSL1 (obscurin like cytoskeletal adaptor 1; minus strand). Cytogenetic location: 2q35.
Variant type: single nucleotide variant.
Coding change: c.5180C>T on transcript NM_015311.3 (MANE Select); coding-DNA position 5180, C replaced by T.
Protein change: p.Ser1727Leu; replaces serine 1727 with leucine.
Molecular consequence: missense variant.
Genome position (GRCh38, 1-based): chr2:219,552,664, G>A on the plus strand (C>T on the coding strand, the complement: OBSL1 is on the minus strand). VCF-style: chr2-219552664-G-A. GRCh37 (hg19) VCF-style: chr2-220417386-G-A.
Other names: short protein forms S1727L.
Identifiers: ClinVar variation 1925374 (VCV001925374.5), dbSNP rs775246985, ClinGen allele CA350719337.

ClinVar aggregate classification (germline): Uncertain significance (1 of 4 stars; one submission).

Allele frequency attached by ClinVar (database versions not stated): gnomAD 0.00001.
gnomAD v4.1: 2 of 1,539,904 alleles (0.00013%); highest among the groups gnomAD compares: East Asian, 0.0024%; no homozygotes.

Submission:

Labcorp Genetics (formerly Invitae), Labcorp
Classification: Uncertain significance. Last evaluated: 2022-08-16. Review status: criteria provided, single submitter. Criteria: Invitae Variant Classification Sherloc (09022015). Collection method: clinical testing. Allele origin: germline.
Comment: In summary, the available evidence is currently insufficient to determine the role of this variant in disease. Therefore, it has been classified as a Variant of Uncertain Significance. Algorithms developed to predict the effect of missense changes on protein structure and function (SIFT, PolyPhen-2, Align-GVGD) all suggest that this variant is likely to be tolerated. This variant has not been reported in the literature in individuals affected with OBSL1-related conditions. This variant is not present in population databases (gnomAD no frequency). This sequence change replaces serine, which is neutral and polar, with leucine, which is neutral and non-polar, at codon 1727 of the OBSL1 protein (p.Ser1727Leu).